The following is an entry in ClinVar:

ClinVar aggregate classification (germline): Uncertain significance (1 of 4 stars; one submission).

Allele frequency attached by ClinVar (database versions not stated): gnomAD exomes below 0.00001.
gnomAD v4.1: 1 of 1,613,590 alleles (0.000062%); highest among the groups gnomAD compares: Non-Finnish European, 0.000085%; no homozygotes.

Submission:

Labcorp Genetics (formerly Invitae), Labcorp
Classification: Uncertain significance. Last evaluated: 2022-07-24. Review status: criteria provided, single submitter. Criteria: Invitae Variant Classification Sherloc (09022015). Collection method: clinical testing. Allele origin: germline.
Comment: Algorithms developed to predict the effect of missense changes on protein structure and function (SIFT, PolyPhen-2, Align-GVGD) all suggest that this variant is likely to be disruptive. This variant has not been reported in the literature in individuals affected with RPSA-related conditions. This variant is present in population databases (no rsID available, gnomAD 0.0009%). This sequence change replaces alanine, which is neutral and non-polar, with glycine, which is neutral and non-polar, at codon 62 of the RPSA protein (p.Ala62Gly). In summary, the available evidence is currently insufficient to determine the role of this variant in disease. Therefore, it has been classified as a Variant of Uncertain Significance.

NM_002295.6(RPSA):c.185C>G (p.Ala62Gly)

Gene: RPSA (ribosomal protein SA; plus strand). Cytogenetic location: 3p22.1.
Variant type: single nucleotide variant.
Coding change: c.185C>G on transcript NM_002295.6 (MANE Select); coding-DNA position 185, C replaced by G.
Protein change: p.Ala62Gly; replaces alanine 62 with glycine.
Molecular consequence: missense variant.
Genome position (GRCh38, 1-based): chr3:39,408,657, C>G. VCF-style: chr3-39408657-C-G. GRCh37 (hg19) VCF-style: chr3-39450148-C-G.
Other names: c.185C>G, p.Ala62Gly (NM_001012321.1, NM_001304288.2); short protein forms A62G.
Identifiers: ClinVar variation 1927807 (VCV001927807.5), dbSNP rs1197554509, ClinGen allele CA352211512.